The following is an entry in ClinVar:

ClinVar aggregate classification (germline): Conflicting classifications of pathogenicity. Review status: criteria provided, conflicting classifications (1 of 4 stars). 6 submissions from 6 submitters: Uncertain significance (1); Likely benign (3). 2 of the submissions do not count toward it. Last evaluated 2026-04-01.

Conditions:
Donnai-Barrow syndrome. Also called: DBS/FOAR SYNDROME; FACIOOCULOACOUSTICORENAL SYNDROME. Identifiers: Orphanet 2143, MedGen C1857277, MONDO:0009104, OMIM 222448.

Allele frequency attached by ClinVar (database versions not stated): TOPMed 0.00009; gnomAD 0.00017 and 0.00018; gnomAD exomes 0.00029 and 0.00070; ESP Exome Variant Server 0.00046; ExAC 0.00103.
gnomAD v4.1: 483 of 1,613,180 alleles (0.03%); highest among the groups gnomAD compares: South Asian, 0.072%; 1 homozygote.

Submissions (6):

CeGaT Center for Human Genetics Tuebingen
Classification: Likely benign. Last evaluated: 2026-04-01. Review status: criteria provided, single submitter. Criteria: CeGaT Center For Human Genetics Tuebingen Variant Classification Criteria Version 2. Collection method: clinical testing. Allele origin: germline. Affected: yes. Observed: 4 variant alleles.
Comment: LRP2: BP4

Labcorp Genetics (formerly Invitae), Labcorp
Classification: Likely benign. Last evaluated: 2026-02-02. Review status: criteria provided, single submitter. Criteria: Invitae Variant Classification Sherloc (09022015). Collection method: clinical testing. Allele origin: germline.

Blueprint Genetics
Classification: Likely benign. Last evaluated: 2024-11-14. Review status: criteria provided, single submitter. Criteria: ACMG Guidelines, 2015. Collection method: clinical testing. Allele origin: germline.

Fulgent Genetics
Classification: Uncertain significance for Donnai-Barrow syndrome. Last evaluated: 2024-02-22. Review status: criteria provided, single submitter. Criteria: ACMG Guidelines, 2015. Collection method: clinical testing. Allele origin: germline.

Clinical Genetics DNA and cytogenetics Diagnostics Lab, Erasmus MC, Erasmus Medical Center
Classification: Uncertain significance. Review status: no assertion criteria provided. Collection method: clinical testing. Allele origin: germline. Affected: yes. Study: VKGL Data-share Consensus. Not counted in ClinVar's aggregate classification.

Laboratory of Diagnostic Genome Analysis, Leiden University Medical Center (LUMC)
Classification: Uncertain significance. Review status: no assertion criteria provided. Collection method: clinical testing. Allele origin: germline. Affected: yes. Study: VKGL Data-share Consensus. Not counted in ClinVar's aggregate classification.

NM_004525.3(LRP2):c.2210C>T (p.Ser737Leu)

Gene: LRP2 (LDL receptor related protein 2; minus strand). Cytogenetic location: 2q31.1.
Variant type: single nucleotide variant.
Coding change: c.2210C>T on transcript NM_004525.3 (MANE Select); coding-DNA position 2210, C replaced by T.
Protein change: p.Ser737Leu; replaces serine 737 with leucine.
Molecular consequence: missense variant.
Genome position (GRCh38, 1-based): chr2:169,271,014, G>A on the plus strand (C>T on the coding strand, the complement: LRP2 is on the minus strand). VCF-style: chr2-169271014-G-A. GRCh37 (hg19) VCF-style: chr2-170127524-G-A.
Other names: short protein forms S737L.
Identifiers: ClinVar variation 1205879 (VCV001205879.34), dbSNP rs201860953, ClinGen allele CA1955354.